The following is an entry in ClinVar:

ClinVar aggregate classification (germline): Uncertain significance (1 of 4 stars; one submission).

Conditions:
Left ventricular noncompaction 8 (LVNC8). Identifiers: Orphanet 154, Orphanet 54260, MedGen C3809288, MONDO:0014152, OMIM 615373.

Submission:

Labcorp Genetics (formerly Invitae), Labcorp
Classification: Uncertain significance for Left ventricular noncompaction 8. Last evaluated: 2025-06-12. Review status: criteria provided, single submitter. Criteria: Invitae Variant Classification Sherloc (09022015). Collection method: clinical testing. Allele origin: germline.
Comment: This sequence change replaces glutamic acid, which is acidic and polar, with isoleucine, which is neutral and non-polar, at codon 1075 of the PRDM16 protein (p.Glu1075Ile). Information on the frequency of this variant in the gnomAD database is not available, as this variant may be reported differently in the database. This variant has not been reported in the literature in individuals affected with PRDM16-related conditions. ClinVar contains an entry for this variant (Variation ID: 3662650). An algorithm developed to predict the effect of missense changes on protein structure and function (PolyPhen-2) suggests that this variant is likely to be disruptive. In summary, the available evidence is currently insufficient to determine the role of this variant in disease. Therefore, it has been classified as a Variant of Uncertain Significance.

NM_022114.4(PRDM16):c.3223_3224delinsAT (p.Glu1075Ile)

Gene: PRDM16 (PR/SET domain 16; plus strand). Cytogenetic location: 1p36.32.
Variant type: Indel.
Coding change: c.3223_3224delinsAT on transcript NM_022114.4 (MANE Select); coding-DNA positions 3223 to 3224, GA replaced by AT.
Protein change: p.Glu1075Ile; replaces glutamic acid 1075 with isoleucine.
Molecular consequence: missense variant.
Genome position (GRCh38, 1-based): chr1:3,426,164-3,426,165, GA replaced by AT. VCF-style: chr1-3426164-GA-AT. GRCh37 (hg19) VCF-style: chr1-3342728-GA-AT.
Other names: c.3223_3224delinsAT, p.Glu1075Ile (NM_199454.3); short protein forms E1075I.
Identifiers: ClinVar variation 3662650 (VCV003662650.2).